The following is an entry in ClinVar:

NM_052867.4(NALCN):c.1840-3T>C

Gene: NALCN (sodium leak channel, non-selective; minus strand). Cytogenetic location: 13q33.1.
Variant type: single nucleotide variant.
Coding change: c.1840-3T>C on transcript NM_052867.4 (MANE Select); 3 bases into the intron before coding-DNA position 1840, T replaced by C.
Molecular consequence: intron variant.
Genome position (GRCh38, 1-based): chr13:101,144,899, A>G on the plus strand (T>C on the coding strand, the complement: NALCN is on the minus strand). VCF-style: chr13-101144899-A-G. GRCh37 (hg19) VCF-style: chr13-101797250-A-G.
Other names: c.1753-3T>C (NM_001350751.2, NM_001350750.2); c.1840-3T>C (NM_001350749.2, NM_001350748.2).
Identifiers: ClinVar variation 3696196 (VCV003696196.2).

ClinVar aggregate classification (germline): Uncertain significance (1 of 4 stars; one submission).

gnomAD v4.1: 3 of 1,598,534 alleles (0.00019%); highest among the groups gnomAD compares: Non-Finnish European, 0.00026%; no homozygotes.

Submission:

Labcorp Genetics (formerly Invitae), Labcorp
Classification: Uncertain significance. Last evaluated: 2024-10-09. Review status: criteria provided, single submitter. Criteria: Invitae Variant Classification Sherloc (09022015). Collection method: clinical testing. Allele origin: germline.
Comment: This sequence change falls in intron 15 of the NALCN gene. It does not directly change the encoded amino acid sequence of the NALCN protein. It affects a nucleotide within the consensus splice site. This variant is not present in population databases (gnomAD no frequency). This variant has not been reported in the literature in individuals affected with NALCN-related conditions. Variants that disrupt the consensus splice site are a relatively common cause of aberrant splicing (PMID: 17576681, 9536098). Algorithms developed to predict the effect of sequence changes on RNA splicing suggest that this variant is not likely to affect RNA splicing. In summary, the available evidence is currently insufficient to determine the role of this variant in disease. Therefore, it has been classified as a Variant of Uncertain Significance.

Literature cited by the submitters: PubMed 17576681; PubMed 9536098.